The following is an entry in ClinVar:

NM_024422.6(DSC2):c.2379del (p.Ser794fs)

Gene: DSC2 (desmocollin 2; minus strand). Cytogenetic location: 18q12.1.
Variant type: Deletion.
Coding change: c.2379del on transcript NM_024422.6 (MANE Select); coding-DNA position 2379, one base deleted (C; older notation c.2379delC).
Protein change: p.Ser794fs; shifts the reading frame from serine 794.
Molecular consequence: frameshift variant.
Genome position (GRCh38, 1-based): chr18:31,069,023, G deleted on the plus strand (C on the coding strand, the reverse complement: DSC2 is on the minus strand); the first of 2 consecutive G bases (chr18:31,069,023-31,069,024); deleting either gives the same sequence. VCF-style (leftmost placement, unchanged base first): chr18-31069022-AG-A. GRCh37 (hg19) VCF-style: chr18-28648988-AG-A.
Other names: c.2379del, p.Ser794fs (NM_004949.5); short protein forms S794fs.
Identifiers: ClinVar variation 1384392 (VCV001384392.6), dbSNP rs2144783901, ClinGen allele CA2573155202.

ClinVar aggregate classification (germline): Uncertain significance (1 of 4 stars; one submission).

Conditions:
Arrhythmogenic right ventricular dysplasia 11. Also called: Arrhythmogenic right ventricular dysplasia 11 with mild palmoplantar keratoderma and woolly hair; Arrhythmogenic Right Ventricular Dysplasia/Cardiomyopathy11; ARRHYTHMOGENIC RIGHT VENTRICULAR DYSPLASIA, FAMILIAL, 11. Identifiers: MedGen C1864850, MONDO:0012506, OMIM 610476.

Submission:

Labcorp Genetics (formerly Invitae), Labcorp
Classification: Uncertain significance for Arrhythmogenic right ventricular dysplasia 11. Last evaluated: 2024-10-21. Review status: criteria provided, single submitter. Criteria: Invitae Variant Classification Sherloc (09022015). Collection method: clinical testing. Allele origin: germline.
Comment: This sequence change creates a premature translational stop signal (p.Ser794Argfs*62) in the DSC2 gene. While this is not anticipated to result in nonsense mediated decay, it is expected to disrupt the last 108 amino acid(s) of the DSC2 protein. This variant is not present in population databases (gnomAD no frequency). This variant has not been reported in the literature in individuals affected with DSC2-related conditions. ClinVar contains an entry for this variant (Variation ID: 1384392). Experimental studies and prediction algorithms are not available or were not evaluated, and the functional significance of this variant is currently unknown. In summary, the available evidence is currently insufficient to determine the role of this variant in disease. Therefore, it has been classified as a Variant of Uncertain Significance.